The following is an entry in ClinVar:

NM_000432.4(MYL2):c.167T>C (p.Leu56Pro)

Gene: MYL2 (myosin light chain 2; minus strand). Cytogenetic location: 12q24.11.
Variant type: single nucleotide variant.
Coding change: c.167T>C on transcript NM_000432.4 (MANE Select); coding-DNA position 167, T replaced by C.
Protein change: p.Leu56Pro; replaces leucine 56 with proline.
Molecular consequence: missense variant. On other transcripts: intron variant (1).
Genome position (GRCh38, 1-based): chr12:110,915,717, A>G on the plus strand (T>C on the coding strand, the complement: MYL2 is on the minus strand). VCF-style: chr12-110915717-A-G. GRCh37 (hg19) VCF-style: chr12-111353521-A-G.
Other names: c.110T>C, p.Leu37Pro (NM_001406916.1); c.94-1393T>C (NM_001406745.1); short protein forms L37P, L56P.
Identifiers: ClinVar variation 3625377 (VCV003625377.2).

ClinVar aggregate classification (germline): Uncertain significance (1 of 4 stars; one submission).

Conditions:
Hypertrophic cardiomyopathy 10. Also called: CARDIOMYOPATHY, HYPERTROPHIC, MID-LEFT VENTRICULAR CHAMBER TYPE, 2; MYL2-Related Familial Hypertrophic Cardiomyopathy. Identifiers: MedGen C1834460, MONDO:0012112, OMIM 608758.

Submission:

Labcorp Genetics (formerly Invitae), Labcorp
Classification: Uncertain significance for Hypertrophic cardiomyopathy 10. Last evaluated: 2024-03-21. Review status: criteria provided, single submitter. Criteria: Invitae Variant Classification Sherloc (09022015). Collection method: clinical testing. Allele origin: germline.
Comment: This sequence change replaces leucine, which is neutral and non-polar, with proline, which is neutral and non-polar, at codon 56 of the MYL2 protein (p.Leu56Pro). This variant is not present in population databases (gnomAD no frequency). This variant has not been reported in the literature in individuals affected with MYL2-related conditions. An algorithm developed to predict the effect of missense changes on protein structure and function (PolyPhen-2) suggests that this variant is likely to be tolerated. In summary, the available evidence is currently insufficient to determine the role of this variant in disease. Therefore, it has been classified as a Variant of Uncertain Significance.